The following is an entry in ClinVar:

ClinVar aggregate classification (germline): Pathogenic/Likely pathogenic. Review status: criteria provided, multiple submitters, no conflicts (2 of 4 stars). 2 submissions from 2 submitters: Pathogenic (1); Likely pathogenic (1). Last evaluated 2023-08-08.

Conditions:
Charlevoix-Saguenay spastic ataxia (SACS). Also called: Spastic ataxia of Charlevoix-Saguenay; AUTOSOMAL RECESSIVE SPASTIC ATAXIA OF CHARLEVOIX-SAGUENAY; SPASTIC ATAXIA 6, AUTOSOMAL RECESSIVE. Identifiers: Orphanet 98, MedGen C1849140, MONDO:0010041, OMIM 270550.
Spastic paraplegia. Identifiers: MedGen C0037772, HP:0001258.

Submissions (2):

Baylor Genetics
Classification: Likely pathogenic for Charlevoix-Saguenay spastic ataxia. Last evaluated: 2023-08-08. Review status: criteria provided, single submitter. Criteria: ACMG Guidelines, 2015. Collection method: clinical testing. Allele origin: unknown.

Labcorp Genetics (formerly Invitae), Labcorp
Classification: Pathogenic for Spastic paraplegia. Last evaluated: 2023-06-09. Review status: criteria provided, single submitter. Criteria: Invitae Variant Classification Sherloc (09022015). Collection method: clinical testing. Allele origin: germline.
Comment: For these reasons, this variant has been classified as Pathogenic. This variant has not been reported in the literature in individuals affected with SACS-related conditions. This variant is not present in population databases (gnomAD no frequency). This sequence change creates a premature translational stop signal (p.Leu410*) in the SACS gene. It is expected to result in an absent or disrupted protein product. Loss-of-function variants in SACS are known to be pathogenic (PMID: 18465152, 20876471).

Literature cited by the submitters: PubMed 18465152 (cited by Labcorp Genetics (formerly Invitae), Labcorp); PubMed 20876471 (cited by Labcorp Genetics (formerly Invitae), Labcorp).

NM_014363.6(SACS):c.1229T>A (p.Leu410Ter)

Gene: SACS (sacsin molecular chaperone; minus strand). Cytogenetic location: 13q12.12.
Variant type: single nucleotide variant.
Coding change: c.1229T>A on transcript NM_014363.6 (MANE Select); coding-DNA position 1229, T replaced by A.
Protein change: p.Leu410Ter; replaces leucine 410 with a stop codon.
Molecular consequence: nonsense.
Genome position (GRCh38, 1-based): chr13:23,355,383, A>T on the plus strand (T>A on the coding strand, the complement: SACS is on the minus strand). VCF-style: chr13-23355383-A-T. GRCh37 (hg19) VCF-style: chr13-23929522-A-T.
Other names: c.788T>A, p.Leu263Ter (NM_001278055.2); short protein forms L263*, L410*.
Identifiers: ClinVar variation 2678515 (VCV002678515.4), dbSNP rs777556535, ClinGen allele CA387549689.